The following is an entry in ClinVar:

ClinVar aggregate classification (germline): Benign/Likely benign. Review status: criteria provided, multiple submitters, no conflicts (2 of 4 stars). 8 submissions from 8 submitters: Benign (2); Likely benign (4). 2 of the submissions do not count toward it. Last evaluated 2026-01-19.

Conditions:
Polycystic liver disease 2 (PCLD2). Also called: Polycystic liver disease 2 with or without kidney cysts. Identifiers: Orphanet 2924, MedGen C4310769, MONDO:0014860, OMIM 617004.

Allele frequency attached by ClinVar (database versions not stated): gnomAD exomes 0.00044; ExAC 0.00049; gnomAD 0.00081 and 0.00082; 1000 Genomes Project 0.26797.
gnomAD v4.1: 606 of 1,146,240 alleles (0.053%); highest among the groups gnomAD compares: African/African-American, 0.18%; 10 homozygotes.

Submissions (8):

Labcorp Genetics (formerly Invitae), Labcorp
Classification: Likely benign. Last evaluated: 2026-01-19. Review status: criteria provided, single submitter. Criteria: Invitae Variant Classification Sherloc (09022015). Collection method: clinical testing. Allele origin: germline.

Fulgent Genetics
Classification: Likely benign for Polycystic liver disease 2. Last evaluated: 2021-09-14. Review status: criteria provided, single submitter. Criteria: ACMG Guidelines, 2015. Collection method: clinical testing. Allele origin: unknown.

Genome-Nilou Lab
Classification: Benign for Polycystic liver disease 2. Last evaluated: 2021-07-15. Review status: criteria provided, single submitter. Criteria: ACMG Guidelines, 2015. Collection method: clinical testing. Allele origin: germline. Affected: no.

GeneDx
Classification: Benign. Last evaluated: 2019-07-18. Review status: criteria provided, single submitter. Criteria: GeneDx Variant Classification Process June 2021. Collection method: clinical testing. Allele origin: germline. Affected: yes.

Laboratory for Molecular Medicine, Mass General Brigham Personalized Medicine
Classification: Likely benign. Last evaluated: 2016-03-29. Review status: criteria provided, single submitter. Criteria: LMM Criteria. Collection method: clinical testing. Allele origin: germline.
Comment: Variant identified in a genome or exome case(s) and assessed due to predicted null impact of the variant or pathogenic assertions in the literature or databases. Disclaimer: This variant has not undergone full assessment. The following are preliminary notes: No change to splice consensus

Breakthrough Genomics
Classification: Likely benign. Review status: criteria provided, single submitter. Criteria: ACMG Guidelines, 2015. Collection method: not provided. Allele origin: germline. Inheritance: Autosomal dominant inheritance. Affected: yes.

Diagnostic Laboratory, Department of Genetics, University Medical Center Groningen
Classification: Benign. Review status: no assertion criteria provided. Collection method: clinical testing. Allele origin: germline. Affected: yes. Study: VKGL Data-share Consensus. Not counted in ClinVar's aggregate classification.

Joint Genome Diagnostic Labs from Nijmegen and Maastricht, Radboudumc and MUMC+
Classification: Benign. Review status: no assertion criteria provided. Collection method: clinical testing. Allele origin: germline. Affected: yes. Study: VKGL Data-share Consensus. Not counted in ClinVar's aggregate classification.

NM_007214.5(SEC63):c.340-7T>C

Gene: SEC63 (SEC63 protein translocation regulator; minus strand). Cytogenetic location: 6q21.
Variant type: single nucleotide variant.
Coding change: c.340-7T>C on transcript NM_007214.5 (MANE Select); 7 bases into the intron before coding-DNA position 340, T replaced by C.
Molecular consequence: intron variant.
Genome position (GRCh38, 1-based): chr6:107,921,916, A>G on the plus strand (T>C on the coding strand, the complement: SEC63 is on the minus strand). VCF-style: chr6-107921916-A-G. GRCh37 (hg19) VCF-style: chr6-108243120-A-G.
Identifiers: ClinVar variation 403425 (VCV000403425.23), dbSNP rs1569557, ClinGen allele CA3947743.